The following is an entry in ClinVar:

ClinVar aggregate classification (germline): Likely pathogenic (1 of 4 stars; one submission).

Conditions:
Cardiovascular phenotype. Identifiers: MedGen CN230736.

Submission:

Ambry Genetics
Classification: Likely pathogenic for Cardiovascular phenotype. Last evaluated: 2023-03-27. Review status: criteria provided, single submitter. Criteria: Ambry Variant Classification Scheme 2023. Collection method: clinical testing. Allele origin: germline.
Comment: The c.60101dupA variant, located in coding exon 155 of the TTN gene, results from a duplication of A at nucleotide position 60101, causing a translational frameshift with a predicted alternate stop codon (p.N20034Kfs*13). This exon is located in the A-band region of the N2-B isoform of the titin protein and is constitutively expressed in TTN transcripts (percent spliced in or PSI 100%). This variant is considered to be rare based on population cohorts in the Genome Aggregation Database (gnomAD). This alteration is expected to result in loss of function by premature protein truncation or nonsense-mediated mRNA decay. While truncating variants in TTN are present in 1-3% of the general population, truncating variants in the A-band are the most common cause of dilated cardiomyopathy (DCM) (Herman DS et al. N. Engl. J. Med., 2012 Feb;366:619-28; Roberts AM et al. Sci Transl Med, 2015 Jan;7:270ra6). TTN truncating variants encoded in constitutive exons (PSI >90%) have been found to be significantly associated with DCM regardless of their position in titin (Schafer S et al. Nat. Genet., 2017 01;49:46-53). Based on the majority of available evidence to date, this variant is likely to be pathogenic.

NM_001267550.2(TTN):c.87296dup (p.Asn29099fs)

Genes: TTN (titin; minus strand), TTN-AS1 (TTN antisense RNA 1; plus strand). Cytogenetic location: 2q31.2.
Variant type: Duplication.
Coding change: c.87296dup on transcript NM_001267550.2 (MANE Select); coding-DNA position 87296, one base duplicated (A; older notation c.87296dupA).
Protein change: p.Asn29099fs; shifts the reading frame from asparagine 29099.
Molecular consequence: frameshift variant.
Genome position (GRCh38, 1-based): chr2:178,558,058, T duplicated on the plus strand (A on the coding strand, the reverse complement: TTN is on the minus strand); the first of 2 consecutive T bases (chr2:178,558,058-178,558,059); duplicating either gives the same sequence. VCF-style (leftmost placement, unchanged base first): chr2-178558057-G-GT. GRCh37 (hg19) VCF-style: chr2-179422784-G-GT.
Other names: c.82373dup, p.Asn27458fs (NM_001256850.1); c.60101dup, p.Asn20034fs (NM_003319.4); c.79592dup, p.Asn26531fs (NM_133378.4); c.60476dup, p.Asn20159fs (NM_133432.3); c.60677dup, p.Asn20226fs (NM_133437.4); c.60101dupA (NM_003319.4); short protein forms N27458fs, N20034fs, N20226fs, N26531fs, N20159fs, N29099fs.
Identifiers: ClinVar variation 2566347 (VCV002566347.2), dbSNP rs2469555432, ClinGen allele CA2580614456.